The following is an entry in ClinVar:

NM_020937.4(FANCM):c.5975A>T (p.His1992Leu)

Gene: FANCM (FA complementation group M; plus strand). Cytogenetic location: 14q21.2.
Variant type: single nucleotide variant.
Coding change: c.5975A>T on transcript NM_020937.4 (MANE Select); coding-DNA position 5975, A replaced by T.
Protein change: p.His1992Leu; replaces histidine 1992 with leucine.
Molecular consequence: missense variant.
Genome position (GRCh38, 1-based): chr14:45,198,902, A>T. VCF-style: chr14-45198902-A-T. GRCh37 (hg19) VCF-style: chr14-45668105-A-T.
Other names: c.5897A>T, p.His1966Leu (NM_001308133.2); short protein forms H1992L, H1966L.
Identifiers: ClinVar variation 4841749 (VCV004841749.1).
Genomic context (GRCh38, chr14:45,198,902, plus strand): 5'-CACTCCAGTTTTATTTAAGTATTCCCAATATAAGTTATATAACTGCATTAAATATGTGTC[A>T]CCAGTTTTCATCTGTGAAAAGGATGGCTAACAGGTATGTCTGTTGTAATATTTTTAAATG-3'
Protein context (NP_065988.1, residues 1982-2002): ISYITALNMC[His1992Leu]QFSSVKRMAN

ClinVar aggregate classification (germline): Uncertain significance (1 of 4 stars; one submission).

Conditions:
Inborn genetic diseases. Identifiers: MedGen C0950123, MeSH D030342.

gnomAD v4.1: 5 of 1,611,134 alleles (0.00031%); highest among the groups gnomAD compares: Non-Finnish European, 0.00042%; no homozygotes.

Submission:

Ambry Genetics
Classification: Uncertain significance for Inborn genetic diseases. Last evaluated: 2025-12-26. Review status: criteria provided, single submitter. Criteria: Ambry Variant Classification Scheme 2023. Collection method: clinical testing. Allele origin: germline.
Comment: The p.H1992L variant (also known as c.5975A>T), located in coding exon 22 of the FANCM gene, results from an A to T substitution at nucleotide position 5975. The histidine at codon 1992 is replaced by leucine, an amino acid with similar properties. This amino acid position is conserved. In addition, this alteration is predicted to be tolerated by in silico analysis. Based on the available evidence, the clinical significance of this variant remains unclear.